The following is an entry in ClinVar:

NM_001843.4(CNTN1):c.774T>G (p.Asn258Lys)

Gene: CNTN1 (contactin 1; plus strand). Cytogenetic location: 12q12.
Variant type: single nucleotide variant.
Coding change: c.774T>G on transcript NM_001843.4 (MANE Select); coding-DNA position 774, T replaced by G.
Protein change: p.Asn258Lys; replaces asparagine 258 with lysine.
Molecular consequence: missense variant.
Genome position (GRCh38, 1-based): chr12:40,933,531, T>G. VCF-style: chr12-40933531-T-G. GRCh37 (hg19) VCF-style: chr12-41327333-T-G.
Other names: c.774T>G, p.Asn258Lys (NM_001256063.2, NM_001256064.2); c.741T>G, p.Asn247Lys (NM_175038.2); short protein forms N247K, N258K.
Identifiers: ClinVar variation 1481289 (VCV001481289.8), dbSNP rs1945970839, ClinGen allele CA384423071.

ClinVar aggregate classification (germline): Uncertain significance (1 of 4 stars; one submission).

Conditions:
Compton-North congenital myopathy (CMYO12). Identifiers: Orphanet 210163, MedGen C2675527, MONDO:0012929, OMIM 612540.

Allele frequency attached by ClinVar (database versions not stated): TOPMed below 0.00001.

Submission:

Labcorp Genetics (formerly Invitae), Labcorp
Classification: Uncertain significance for Compton-North congenital myopathy. Last evaluated: 2021-05-30. Review status: criteria provided, single submitter. Criteria: Invitae Variant Classification Sherloc (09022015). Collection method: clinical testing. Allele origin: germline.
Comment: In summary, the available evidence is currently insufficient to determine the role of this variant in disease. Therefore, it has been classified as a Variant of Uncertain Significance. Algorithms developed to predict the effect of sequence changes on RNA splicing suggest that this variant may create or strengthen a splice site, but this prediction has not been confirmed by published transcriptional studies. Advanced modeling of protein sequence and biophysical properties (such as structural, functional, and spatial information, amino acid conservation, physicochemical variation, residue mobility, and thermodynamic stability) performed at Invitae indicates that this missense variant is not expected to disrupt CNTN1 protein function. This variant has not been reported in the literature in individuals with CNTN1-related conditions. This variant is not present in population databases (ExAC no frequency). This sequence change replaces asparagine with lysine at codon 258 of the CNTN1 protein (p.Asn258Lys). The asparagine residue is highly conserved and there is a moderate physicochemical difference between asparagine and lysine.